The following is an entry in ClinVar:

ClinVar aggregate classification (germline): Uncertain significance (1 of 4 stars; one submission).

Conditions:
Neuropathy, hereditary sensory, type 2C. Also called: KIF1A-Related HSAN2 (HSAN2C); Hereditary sensory and autonomic neuropathy type IIC. Identifiers: Orphanet 970, MedGen C3280168, MONDO:0013634, OMIM 614213.
Hereditary spastic paraplegia 30. Identifiers: Orphanet 101010, MedGen C5235139, MONDO:0012476.
Intellectual disability, autosomal dominant 9 (NESCAVS). Also called: NESCAV SYNDROME; KIF1A-Related Neurodevelopmental Disorder. Identifiers: Orphanet 662367, MedGen C5393830, MONDO:0013656, OMIM 614255.

Submission:

Labcorp Genetics (formerly Invitae), Labcorp
Classification: Uncertain significance for Hereditary spastic paraplegia 30; Neuropathy, hereditary sensory, type 2C; Intellectual disability, autosomal dominant 9. Last evaluated: 2023-03-31. Review status: criteria provided, single submitter. Criteria: Invitae Variant Classification Sherloc (09022015). Collection method: clinical testing. Allele origin: germline.
Comment: Advanced modeling of protein sequence and biophysical properties (such as structural, functional, and spatial information, amino acid conservation, physicochemical variation, residue mobility, and thermodynamic stability) performed at Invitae indicates that this missense variant is expected to disrupt KIF1A protein function. In summary, the available evidence is currently insufficient to determine the role of this variant in disease. Therefore, it has been classified as a Variant of Uncertain Significance. This variant has not been reported in the literature in individuals affected with KIF1A-related conditions. This variant is not present in population databases (gnomAD no frequency). This sequence change replaces aspartic acid, which is acidic and polar, with alanine, which is neutral and non-polar, at codon 132 of the KIF1A protein (p.Asp132Ala).

NM_001244008.2(KIF1A):c.395A>C (p.Asp132Ala)

Gene: KIF1A (kinesin family member 1A; minus strand). Cytogenetic location: 2q37.3.
Variant type: single nucleotide variant.
Coding change: c.395A>C on transcript NM_001244008.2 (MANE Select); coding-DNA position 395, A replaced by C.
Protein change: p.Asp132Ala; replaces aspartic acid 132 with alanine.
Molecular consequence: missense variant.
Genome position (GRCh38, 1-based): chr2:240,787,285, T>G on the plus strand (A>C on the coding strand, the complement: KIF1A is on the minus strand). VCF-style: chr2-240787285-T-G. GRCh37 (hg19) VCF-style: chr2-241726702-T-G.
Other names: c.395A>C, p.Asp132Ala (NM_001320705.2, NM_001330289.2, NM_001330290.2 and 21 more transcripts); short protein forms D132A.
Identifiers: ClinVar variation 2946016 (VCV002946016.3), dbSNP rs2538414211, ClinGen allele CA351309370.